The following is an entry in ClinVar:

NM_000516.7(GNAS):c.989A>G (p.Glu330Gly)

Gene: GNAS (GNAS complex locus; plus strand). Cytogenetic location: 20q13.32.
Variant type: single nucleotide variant.
Coding change: c.989A>G on transcript NM_000516.7 (MANE Select); coding-DNA position 989, A replaced by G.
Protein change: p.Glu330Gly; replaces glutamic acid 330 with glycine.
Molecular consequence: missense variant. On other transcripts: 3 prime UTR variant (2).
Genome position (GRCh38, 1-based): chr20:58,910,352, A>G. VCF-style: chr20-58910352-A-G. GRCh37 (hg19) VCF-style: chr20-57485407-A-G.
Other names: c.992A>G, p.Glu331Gly (NM_001077488.5); c.944A>G, p.Glu315Gly (NM_001077489.4); c.*850A>G (NM_001077490.3); c.812A>G, p.Glu271Gly (NM_001309840.2, NM_001309861.2); c.893A>G, p.Glu298Gly (NM_001410912.1); c.2873A>G, p.Glu958Gly (NM_001410913.1); c.*895A>G (NM_016592.5); c.2918A>G, p.Glu973Gly (NM_080425.4); and 1 more; short protein forms E315G, E316G, E331G, E958G, E973G, E330G, E271G, E298G.
Identifiers: ClinVar variation 2768739 (VCV002768739.3), dbSNP rs2517283603, ClinGen allele CA409453558.

ClinVar aggregate classification (germline): Uncertain significance (1 of 4 stars; one submission).

Submission:

Labcorp Genetics (formerly Invitae), Labcorp
Classification: Uncertain significance. Last evaluated: 2023-10-15. Review status: criteria provided, single submitter. Criteria: Invitae Variant Classification Sherloc (09022015). Collection method: clinical testing. Allele origin: germline.
Comment: This sequence change replaces glutamic acid, which is acidic and polar, with glycine, which is neutral and non-polar, at codon 330 of the GNAS protein (p.Glu330Gly). This variant is not present in population databases (gnomAD no frequency). This variant has not been reported in the literature in individuals affected with GNAS-related conditions. Advanced modeling of protein sequence and biophysical properties (such as structural, functional, and spatial information, amino acid conservation, physicochemical variation, residue mobility, and thermodynamic stability) performed at Invitae indicates that this missense variant is expected to disrupt GNAS protein function. In summary, the available evidence is currently insufficient to determine the role of this variant in disease. Therefore, it has been classified as a Variant of Uncertain Significance.